The following is an entry in ClinVar:

NM_007294.4(BRCA1):c.1763G>A (p.Ser588Asn)

Gene: BRCA1 (BRCA1 DNA repair associated; minus strand). Cytogenetic location: 17q21.31.
Variant type: single nucleotide variant.
Coding change: c.1763G>A on transcript NM_007294.4 (MANE Select); coding-DNA position 1763, G replaced by A.
Protein change: p.Ser588Asn; replaces serine 588 with asparagine.
Molecular consequence: missense variant. On other transcripts: intron variant (137).
Genome position (GRCh38, 1-based): chr17:43,093,768, C>T on the plus strand (G>A on the coding strand, the complement: BRCA1 is on the minus strand). VCF-style: chr17-43093768-C-T. GRCh37 (hg19) VCF-style: chr17-41245785-C-T.
Other names: c.1760G>A, p.Ser587Asn (NM_001407636.1, NM_001407637.1, NM_001407638.1 and 22 more transcripts); c.1763G>A, p.Ser588Asn (NM_001407639.1, NM_001407640.1, NM_001407641.1 and 30 more transcripts); c.1754G>A, p.Ser585Asn (NM_001407646.1, NM_001407647.1); c.1640G>A, p.Ser547Asn (NM_001407648.1, NM_001407664.1, NM_001407665.1 and 19 more transcripts); c.1637G>A, p.Ser546Asn (NM_001407649.1, NM_001407670.1, NM_001407671.1 and 11 more transcripts); c.1685G>A, p.Ser562Asn (NM_001407653.1, NM_001407654.1, NM_001407655.1 and 4 more transcripts); c.1682G>A, p.Ser561Asn (NM_001407659.1, NM_001407660.1, NM_001407661.1 and 1 more transcripts); c.1622G>A, p.Ser541Asn (NM_001407692.1, NM_001407694.1, NM_001407695.1 and 29 more transcripts); and 40 more; short protein forms S292N, S460N, S499N, S541N, S546N, S547N, S562N, S420N.
Identifiers: ClinVar variation 1779625 (VCV001779625.4), dbSNP rs2552198816, ClinGen allele CA10598502.

ClinVar aggregate classification (germline): Conflicting classifications of pathogenicity. Review status: criteria provided, conflicting classifications (1 of 4 stars). 2 submissions from 2 submitters: Uncertain significance (1); Likely benign (1). Last evaluated 2023-03-23.

Conditions:
Hereditary cancer-predisposing syndrome. Also called: Neoplastic Syndromes, Hereditary; Tumor predisposition; Hereditary Cancer Syndrome; Hereditary neoplastic syndrome. Identifiers: Orphanet 140162, MedGen C0027672, MeSH D009386, MONDO:0015356.

Submissions (2):

University of Washington Department of Laboratory Medicine, University of Washington
Classification: Likely benign for Hereditary cancer-predisposing syndrome. Last evaluated: 2023-03-23. Review status: criteria provided, single submitter. Criteria: Dines et al. (Genet Med. 2020). Collection method: curation. Allele origin: germline.
Comment: Missense variant in a coldspot region where missense variants are very unlikely to be pathogenic (PMID:31911673).

BRCA1 coldspot (exon 11 using historical exon numbering). Reclassification based on statistical prior probability

Ambry Genetics
Classification: Uncertain significance for Hereditary cancer-predisposing syndrome. Last evaluated: 2022-08-30. Review status: criteria provided, single submitter. Criteria: Ambry Variant Classification Scheme 2023. Collection method: clinical testing. Allele origin: germline.
Comment: The p.S588N variant (also known as c.1763G>A), located in coding exon 9 of the BRCA1 gene, results from a G to A substitution at nucleotide position 1763. The serine at codon 588 is replaced by asparagine, an amino acid with highly similar properties. This amino acid position is well conserved in available vertebrate species. In addition, the in silico prediction for this alteration is inconclusive. Since supporting evidence is limited at this time, the clinical significance of this alteration remains unclear.